The following is an entry in ClinVar:

NM_001371727.1(GABRB2):c.335C>T (p.Ala112Val)

Gene: GABRB2 (gamma-aminobutyric acid type A receptor subunit beta2; minus strand). Cytogenetic location: 5q34.
Variant type: single nucleotide variant.
Coding change: c.335C>T on transcript NM_001371727.1 (MANE Select); coding-DNA position 335, C replaced by T.
Protein change: p.Ala112Val; replaces alanine 112 with valine.
Molecular consequence: missense variant.
Genome position (GRCh38, 1-based): chr5:161,459,747, G>A on the plus strand (C>T on the coding strand, the complement: GABRB2 is on the minus strand). VCF-style: chr5-161459747-G-A. GRCh37 (hg19) VCF-style: chr5-160886753-G-A.
Other names: c.335C>T, p.Ala112Val (NM_000813.3, NM_021911.3); short protein forms A112V.
Identifiers: ClinVar variation 1328547 (VCV001328547.4), dbSNP rs2113263943, ClinGen allele CA362173967.
Genomic context (GRCh38, chr5:161,459,747, plus strand): 5'-CCGTGCACAAATGACTTCTTATCGTTCAGGAAATAGGTATCAGGCACCCAGAGCTGGTCT[G>A]CCACTCTGTTGTCCAGAGTCAAGTTTAAAGGTATTACATTATAGGACAGCCTCTTATCTC-3'
Protein context (NP_001358656.1, residues 102-122): PLNLTLDNRV[Ala112Val]DQLWVPDTYF

ClinVar aggregate classification (germline): Uncertain significance (1 of 4 stars; one submission).

Conditions:
GABRB2-related neurodevelopmental disorders.

Submission:

Illumina Laboratory Services, Illumina
Classification: Uncertain significance for GABRB2-related neurodevelopmental disorders. Last evaluated: 2021-04-20. Review status: criteria provided, single submitter. Criteria: ICSLVariantClassificationCriteria RUGD 01 April 2020. Collection method: clinical testing. Allele origin: unknown.
Comment: The GABRB2 c.335C>T (p.Ala112Val) variant is a missense variant. A literature search was performed for the gene, cDNA change, and amino acid change. No publications were found based on this search. The p.Ala112Val variant is not reported in the Genome Aggregation Database in a region of good sequencing coverage, which suggests the variant is rare. The p.Ala112Val variant lies within the N-terminus extracellular region of the protein; Moufawad El Achkar et al. (2021) indicate that variants in this region are associated with a less severe phenotype that may not include epilepsy. Based on the available information and the application of the ACMG criteria, the p.Ala112Val variant is classified as a variant of uncertain significance for GABRB2-related neurodevelopmental disorders.

Literature cited by the submitters: PubMed 32686847; PubMed 33325057.